The following is an entry in ClinVar:

ClinVar aggregate classification (germline): Benign/Likely benign. Review status: criteria provided, multiple submitters, no conflicts (2 of 4 stars). 5 submissions from 5 submitters: Benign (1); Likely benign (3). 1 of the submissions does not count toward it. Last evaluated 2026-01-25.

Conditions:
ALOX12B-related disorder. Also called: ALOX12B-related condition.
Autosomal recessive congenital ichthyosis 2 (ARCI2). Identifiers: Orphanet 281122, Orphanet 79394, MedGen C3888093, MONDO:0009439, OMIM 242100.
Inborn genetic diseases. Identifiers: MedGen C0950123, MeSH D030342.

Allele frequency attached by ClinVar (database versions not stated): gnomAD exomes 0.00033 and 0.00072; ExAC 0.00092; ESP Exome Variant Server 0.00108; TOPMed 0.00170; gnomAD 0.00185 and 0.00187; 1000 Genomes Project 0.00339; 1000 Genomes Project 30x 0.00344.
gnomAD v4.1: 761 of 1,614,178 alleles (0.047%); highest among the groups gnomAD compares: African/African-American, 0.53%; 1 homozygote.

Submissions (5):

Labcorp Genetics (formerly Invitae), Labcorp
Classification: Benign. Last evaluated: 2026-01-25. Review status: criteria provided, single submitter. Criteria: Invitae Variant Classification Sherloc (09022015). Collection method: clinical testing. Allele origin: germline.

Blueprint Genetics
Classification: Likely benign. Last evaluated: 2024-11-21. Review status: criteria provided, single submitter. Criteria: ACMG Guidelines, 2015. Collection method: clinical testing. Allele origin: germline.

Ambry Genetics
Classification: Likely benign for Inborn genetic diseases. Last evaluated: 2024-01-08. Review status: criteria provided, single submitter. Criteria: Ambry Variant Classification Scheme 2023. Collection method: clinical testing. Allele origin: germline.

Illumina Laboratory Services, Illumina
Classification: Likely benign for Autosomal recessive congenital ichthyosis 2. Last evaluated: 2018-01-13. Review status: criteria provided, single submitter. Criteria: ICSL Variant Classification Criteria 13 December 2019. Collection method: clinical testing. Allele origin: germline.
Comment: This variant was observed in the ICSL laboratory as part of a predisposition screen in an ostensibly healthy population. It had not been previously curated by ICSL or reported in the Human Gene Mutation Database (HGMD: prior to June 1st, 2018), and was therefore a candidate for classification through an automated scoring system. Utilizing variant allele frequency, disease prevalence and penetrance estimates, and inheritance mode, an automated score was calculated to assess if this variant is too frequent to cause the disease. Based on the score and internal cut-off values, a variant classified as likely benign is not then subjected to further curation. The score for this variant resulted in a classification of likely benign for this disease.

PreventionGenetics, part of Exact Sciences
Classification: Likely benign for ALOX12B-related condition. Last evaluated: 2024-06-15. Review status: no assertion criteria provided. Collection method: clinical testing. Allele origin: germline. Not counted in ClinVar's aggregate classification.
Comment: This variant is classified as likely benign based on ACMG/AMP sequence variant interpretation guidelines (Richards et al. 2015 PMID: 25741868, with internal and published modifications).

NM_001139.3(ALOX12B):c.324C>T (p.Tyr108=)

Gene: ALOX12B (arachidonate 12-lipoxygenase, 12R type; minus strand). Cytogenetic location: 17p13.1.
Variant type: single nucleotide variant.
Coding change: c.324C>T on transcript NM_001139.3 (MANE Select); coding-DNA position 324, C replaced by T.
Protein change: p.Tyr108=; no amino-acid change (tyrosine 108 retained).
Molecular consequence: synonymous variant.
Genome position (GRCh38, 1-based): chr17:8,086,044, G>A on the plus strand (C>T on the coding strand, the complement: ALOX12B is on the minus strand). VCF-style: chr17-8086044-G-A. GRCh37 (hg19) VCF-style: chr17-7989362-G-A.
Other names: c.324C>T, p.Tyr108= (LRG_1264t1).
Identifiers: ClinVar variation 325915 (VCV000325915.16), dbSNP rs116399915, ClinGen allele CA8367713.
Genomic context (GRCh38, chr17:8,086,044, plus strand): 5'-CCATAGGATGGAGCAGGGTGATGAGGGCTTACCTGTGGCCTCCCGGAGTGCCAGGGTCTC[G>A]TAGCCATCCATCCACTGGTAGGCGGGGAAGTGGTAGATACGGCCGTTGGGGGCACAGATC-3'
Protein context (NP_001130.1, residues 98-118): HFPAYQWMDG[Tyr108=]ETLALREATG